The following is an entry in ClinVar:

ClinVar aggregate classification (germline): Uncertain significance (1 of 4 stars; one submission).

gnomAD v4.1: 1 of 1,611,836 alleles (0.000062%); highest among the groups gnomAD compares: Non-Finnish European, 0.000085%; no homozygotes.

Submission:

Labcorp Genetics (formerly Invitae), Labcorp
Classification: Uncertain significance. Last evaluated: 2024-06-06. Review status: criteria provided, single submitter. Criteria: Invitae Variant Classification Sherloc (09022015). Collection method: clinical testing. Allele origin: germline.
Comment: This sequence change creates a premature translational stop signal (p.Ser206*) in the RP1L1 gene. It is expected to result in an absent or disrupted protein product. However, the current clinical and genetic evidence is not sufficient to establish whether loss-of-function variants in RP1L1 cause disease. This variant is not present in population databases (gnomAD no frequency). This variant has not been reported in the literature in individuals affected with RP1L1-related conditions. ClinVar contains an entry for this variant (Variation ID: 1480051). In summary, the available evidence is currently insufficient to determine the role of this variant in disease. Therefore, it has been classified as a Variant of Uncertain Significance.

NM_178857.6(RP1L1):c.617C>A (p.Ser206Ter)

Gene: RP1L1 (RP1 like 1). Cytogenetic location: 8p23.1.
Variant type: single nucleotide variant.
Coding change: c.617C>A on transcript NM_178857.6 (MANE Select); coding-DNA position 617, C replaced by A.
Protein change: p.Ser206Ter; replaces serine 206 with a stop codon.
Molecular consequence: nonsense.
Genome position (GRCh38, 1-based): chr8:10,616,580, G>T on the plus strand (C>A on the coding strand, the complement: RP1L1 is on the minus strand). VCF-style: chr8-10616580-G-T. GRCh37 (hg19) VCF-style: chr8-10474090-G-T.
Other names: short protein forms S206*.
Identifiers: ClinVar variation 1480051 (VCV001480051.6), dbSNP rs760447634, ClinGen allele CA370299286.